The following is an entry in ClinVar:

ClinVar aggregate classification (germline): Uncertain significance (1 of 4 stars; one submission).

Conditions:
LEPR-related disorder. Also called: LEPR-related disorders; LEPR-related condition.

gnomAD v4.1: 1 of 1,613,276 alleles (0.000062%); highest among the groups gnomAD compares: Non-Finnish European, 0.000085%; no homozygotes.

Submission:

PreventionGenetics, part of Exact Sciences
Classification: Uncertain significance for LEPR-related condition. Last evaluated: 2024-11-26. Review status: criteria provided, single submitter. Criteria: ACMG Guidelines, 2015. Collection method: clinical testing. Allele origin: germline.
Comment: The LEPR c.619G>T variant is predicted to result in the amino acid substitution p.Asp207Tyr. This variant was observed in a cohort of individuals with obesity, and in vitro functional studies showed function similar to wild-type levels (Supplemental Data Set, Shah et al. 2023. PubMed ID: 36864747). This variant is reported in 0.00088% of alleles in individuals of European (Non-Finnish) descent in gnomAD. At this time, the clinical significance of this variant is uncertain due to the absence of conclusive functional and genetic evidence.

NM_002303.6(LEPR):c.619G>T (p.Asp207Tyr)

Gene: LEPR (leptin receptor; plus strand). Cytogenetic location: 1p31.3.
Variant type: single nucleotide variant.
Coding change: c.619G>T on transcript NM_002303.6 (MANE Select); coding-DNA position 619, G replaced by T.
Protein change: p.Asp207Tyr; replaces aspartic acid 207 with tyrosine.
Molecular consequence: missense variant.
Genome position (GRCh38, 1-based): chr1:65,592,781, G>T. VCF-style: chr1-65592781-G-T. GRCh37 (hg19) VCF-style: chr1-66058464-G-T.
Other names: c.619G>T, p.Asp207Tyr (NM_001003679.3, NM_001003680.3, NM_001198687.2 and 2 more transcripts); short protein forms D207Y.
Identifiers: ClinVar variation 4997223 (VCV004997223.1).